The following is an entry in ClinVar:

ClinVar aggregate classification (germline): Benign (0 of 4 stars; one submission).

Conditions:
CACNA1I-related disorder. Also called: CACNA1I-related condition.

Allele frequency attached by ClinVar (database versions not stated): 1000 Genomes Project 0.10743; 1000 Genomes Project 30x 0.10884; gnomAD 0.16786; TOPMed 0.16945; ExAC 0.20761; gnomAD exomes 0.21269.
gnomAD v4.1: 308,707 of 1,483,252 alleles (21%); highest among the groups gnomAD compares: Middle Eastern, 28%; 34,606 homozygotes.

Submission:

PreventionGenetics, part of Exact Sciences
Classification: Benign for CACNA1I-related condition. Last evaluated: 2019-10-18. Review status: no assertion criteria provided. Collection method: clinical testing. Allele origin: germline.
Comment: This variant is classified as benign based on ACMG/AMP sequence variant interpretation guidelines (Richards et al. 2015 PMID: 25741868, with internal and published modifications).

NM_021096.4(CACNA1I):c.5344G>A (p.Gly1782Arg)

Gene: CACNA1I (calcium voltage-gated channel subunit alpha1 I; plus strand). Cytogenetic location: 22q13.1.
Variant type: single nucleotide variant.
Coding change: c.5344G>A on transcript NM_021096.4 (MANE Select); coding-DNA position 5344, G replaced by A.
Protein change: p.Gly1782Arg; replaces glycine 1782 with arginine.
Molecular consequence: missense variant.
Genome position (GRCh38, 1-based): chr22:39,679,395, G>A. VCF-style: chr22-39679395-G-A. GRCh37 (hg19) VCF-style: chr22-40075400-G-A.
Other names: c.5239G>A, p.Gly1747Arg (NM_001003406.2); short protein forms G1747R, G1782R.
Identifiers: ClinVar variation 3059171 (VCV003059171.2), dbSNP rs2294369, ClinGen allele CA10244960.